The following is an entry in ClinVar:

ClinVar aggregate classification (germline): Uncertain significance (1 of 4 stars; one submission).

Conditions:
Marfan syndrome (MFS). Also called: MARFAN SYNDROME, TYPE I; Marfan syndrome type 1; Marfan's syndrome; Marfan syndrome, classic; FBN1-Related Marfan Syndrome. Identifiers: Orphanet 284963, Orphanet 558, MedGen C0024796, MONDO:0007947, OMIM 154700.
Familial thoracic aortic aneurysm and aortic dissection (TAAD). Also called: Thoracic aortic aneurysms and dissections. Identifiers: Orphanet 91387, MedGen C4707243, MONDO:0019625.

Submission:

Labcorp Genetics (formerly Invitae), Labcorp
Classification: Uncertain significance for Marfan syndrome; Familial thoracic aortic aneurysm and aortic dissection. Last evaluated: 2024-10-30. Review status: criteria provided, single submitter. Criteria: Invitae Variant Classification Sherloc (09022015). Collection method: clinical testing. Allele origin: germline.
Comment: This sequence change replaces glutamic acid, which is acidic and polar, with aspartic acid, which is acidic and polar, at codon 2097 of the FBN1 protein (p.Glu2097Asp). This variant is not present in population databases (gnomAD no frequency). This variant has not been reported in the literature in individuals affected with FBN1-related conditions. Invitae Evidence Modeling of protein sequence and biophysical properties (such as structural, functional, and spatial information, amino acid conservation, physicochemical variation, residue mobility, and thermodynamic stability) indicates that this missense variant is expected to disrupt FBN1 protein function with a positive predictive value of 80%. In summary, the available evidence is currently insufficient to determine the role of this variant in disease. Therefore, it has been classified as a Variant of Uncertain Significance.

NM_000138.5(FBN1):c.6291G>C (p.Glu2097Asp)

Gene: FBN1 (fibrillin 1; minus strand). Cytogenetic location: 15q21.1.
Variant type: single nucleotide variant.
Coding change: c.6291G>C on transcript NM_000138.5 (MANE Select); coding-DNA position 6291, G replaced by C.
Protein change: p.Glu2097Asp; replaces glutamic acid 2097 with aspartic acid.
Molecular consequence: missense variant.
Genome position (GRCh38, 1-based): chr15:48,437,790, C>G on the plus strand (G>C on the coding strand, the complement: FBN1 is on the minus strand). VCF-style: chr15-48437790-C-G. GRCh37 (hg19) VCF-style: chr15-48729987-C-G.
Other names: c.6291G>C, p.Glu2097Asp (NM_001406716.1); short protein forms E2097D.
Identifiers: ClinVar variation 3754053 (VCV003754053.2).